The following is an entry in ClinVar:

NM_005802.5(TOPORS):c.2547A>G (p.Ser849=)

Gene: TOPORS (TOP1 binding arginine/serine rich protein, E3 ubiquitin ligase; minus strand). Cytogenetic location: 9p21.1.
Variant type: single nucleotide variant.
Coding change: c.2547A>G on transcript NM_005802.5 (MANE Select); coding-DNA position 2547, A replaced by G.
Protein change: p.Ser849=; no amino-acid change (serine 849 retained).
Molecular consequence: synonymous variant.
Genome position (GRCh38, 1-based): chr9:32,541,978, T>C on the plus strand (A>G on the coding strand, the complement: TOPORS is on the minus strand). VCF-style: chr9-32541978-T-C. GRCh37 (hg19) VCF-style: chr9-32541976-T-C.
Other names: c.2352A>G, p.Ser784= (NM_001195622.2).
Identifiers: ClinVar variation 95314 (VCV000095314.17), dbSNP rs150650712, ClinGen allele CA222895.

ClinVar aggregate classification (germline): Conflicting classifications of pathogenicity. Review status: criteria provided, conflicting classifications (1 of 4 stars). 4 submissions from 4 submitters: Uncertain significance (1); Benign (1); Likely benign (1). 1 of the submissions does not count toward it. Last evaluated 2025-12-20.

Conditions:
TOPORS-related disorder. Also called: TOPORS-related condition.

Allele frequency attached by ClinVar (database versions not stated): gnomAD exomes 0.00007 and 0.00022; ExAC 0.00034; gnomAD 0.00082 and 0.00088; TOPMed 0.00088; ESP Exome Variant Server 0.00100; 1000 Genomes Project 0.00140; 1000 Genomes Project 30x 0.00141.
gnomAD v4.1: 235 of 1,613,838 alleles (0.015%); highest among the groups gnomAD compares: African/African-American, 0.3%; 1 homozygote.

Submissions (4):

Labcorp Genetics (formerly Invitae), Labcorp
Classification: Benign. Last evaluated: 2025-12-20. Review status: criteria provided, single submitter. Criteria: Invitae Variant Classification Sherloc (09022015). Collection method: clinical testing. Allele origin: germline.

Blueprint Genetics
Classification: Likely benign. Last evaluated: 2024-08-28. Review status: criteria provided, single submitter. Criteria: ACMG Guidelines, 2015. Collection method: clinical testing. Allele origin: germline.

Eurofins Ntd Llc (ga)
Classification: Uncertain significance. Last evaluated: 2013-09-24. Review status: criteria provided, single submitter. Criteria: EGL Classification Definitions 2015. Collection method: clinical testing. Allele origin: germline. Observed: 1 variant allele, 1 heterozygote.

PreventionGenetics, part of Exact Sciences
Classification: Likely benign for TOPORS-related condition. Last evaluated: 2019-08-15. Review status: no assertion criteria provided. Collection method: clinical testing. Allele origin: germline. Not counted in ClinVar's aggregate classification.
Comment: This variant is classified as likely benign based on ACMG/AMP sequence variant interpretation guidelines (Richards et al. 2015 PMID: 25741868, with internal and published modifications).